The following is an entry in ClinVar:

ClinVar aggregate classification (germline): Uncertain significance (1 of 4 stars; one submission).

Conditions:
Frontotemporal dementia and/or amyotrophic lateral sclerosis 4. Also called: FTDALS4. Identifiers: Orphanet 275872, MedGen C4225325, MONDO:0014641, OMIM 616439.

gnomAD v4.1: 25 of 1,602,792 alleles (0.0016%); highest among the groups gnomAD compares: South Asian, 0.027%; no homozygotes.

Submission:

Labcorp Genetics (formerly Invitae), Labcorp
Classification: Uncertain significance for Frontotemporal dementia and/or amyotrophic lateral sclerosis 4. Last evaluated: 2024-12-10. Review status: criteria provided, single submitter. Criteria: Invitae Variant Classification Sherloc (09022015). Collection method: clinical testing. Allele origin: germline.
Comment: This sequence change affects codon 331 of the TBK1 mRNA. It is a 'silent' change, meaning that it does not change the encoded amino acid sequence of the TBK1 protein. It affects a nucleotide within the consensus splice site. This variant is present in population databases (rs762688561, gnomAD 0.04%), and has an allele count higher than expected for a pathogenic variant. This variant has not been reported in the literature in individuals affected with TBK1-related conditions. Algorithms developed to predict the effect of sequence changes on RNA splicing suggest that this variant is not likely to affect RNA splicing. In summary, the available evidence is currently insufficient to determine the role of this variant in disease. Therefore, it has been classified as a Variant of Uncertain Significance.

NM_013254.4(TBK1):c.993T>C (p.Thr331=)

Gene: TBK1 (TANK binding kinase 1; plus strand). Cytogenetic location: 12q14.2.
Variant type: single nucleotide variant.
Coding change: c.993T>C on transcript NM_013254.4 (MANE Select); coding-DNA position 993, T replaced by C.
Protein change: p.Thr331=; no amino-acid change (threonine 331 retained).
Molecular consequence: synonymous variant.
Genome position (GRCh38, 1-based): chr12:64,484,303, T>C. VCF-style: chr12-64484303-T-C. GRCh37 (hg19) VCF-style: chr12-64878083-T-C.
Identifiers: ClinVar variation 3719068 (VCV003719068.2).